The following is an entry in ClinVar:

NM_002878.4(RAD51D):c.880T>G (p.Cys294Gly)

Genes: RAD51L3-RFFL (RAD51L3-RFFL readthrough; minus strand), RAD51D (RAD51 paralog D; minus strand). Cytogenetic location: 17q12.
Variant type: single nucleotide variant.
Coding change: c.880T>G on transcript NM_002878.4 (MANE Select); coding-DNA position 880, T replaced by G.
Protein change: p.Cys294Gly; replaces cysteine 294 with glycine.
Molecular consequence: missense variant. On other transcripts: non-coding transcript variant (3).
Genome position (GRCh38, 1-based): chr17:35,101,224, A>C on the plus strand (T>G on the coding strand, the complement: RAD51D is on the minus strand). VCF-style: chr17-35101224-A-C. GRCh37 (hg19) VCF-style: chr17-33428243-A-C.
Other names: c.940T>G, p.Cys314Gly (NM_001142571.2); c.544T>G, p.Cys182Gly (NM_133629.3); short protein forms C294G, C182G, C314G.
Identifiers: ClinVar variation 4543356 (VCV004543356.1).

ClinVar aggregate classification (germline): Uncertain significance (1 of 4 stars; one submission).

Conditions:
Hereditary cancer-predisposing syndrome. Also called: Tumor predisposition; Hereditary Cancer Syndrome; Hereditary neoplastic syndrome; Neoplastic Syndromes, Hereditary. Identifiers: Orphanet 140162, MedGen C0027672, MeSH D009386, MONDO:0015356.

Submission:

Ambry Genetics
Classification: Uncertain significance for Hereditary cancer-predisposing syndrome. Last evaluated: 2025-12-06. Review status: criteria provided, single submitter. Criteria: Ambry Variant Classification Scheme 2023. Collection method: clinical testing. Allele origin: germline.
Comment: The p.C294G variant (also known as c.880T>G), located in coding exon 9 of the RAD51D gene, results from a T to G substitution at nucleotide position 880. The cysteine at codon 294 is replaced by glycine, an amino acid with highly dissimilar properties. This amino acid position is conserved. In addition, this alteration is predicted to be tolerated by in silico analysis. Based on the available evidence, the clinical significance of this variant remains unclear.